The following is an entry in ClinVar:

NM_201384.3(PLEC):c.3376G>A (p.Glu1126Lys)

Gene: PLEC (plectin; minus strand). Cytogenetic location: 8q24.3.
Variant type: single nucleotide variant.
Coding change: c.3376G>A on transcript NM_201384.3 (MANE Select); coding-DNA position 3376, G replaced by A.
Protein change: p.Glu1126Lys; replaces glutamic acid 1126 with lysine.
Molecular consequence: missense variant.
Genome position (GRCh38, 1-based): chr8:143,927,877, C>T on the plus strand (G>A on the coding strand, the complement: PLEC is on the minus strand). VCF-style: chr8-143927877-C-T. GRCh37 (hg19) VCF-style: chr8-145002045-C-T.
Other names: c.3457G>A, p.Glu1153Lys (NM_000445.5, NM_001410941.1); c.3334G>A, p.Glu1112Lys (NM_201378.4); c.3310G>A, p.Glu1104Lys (NM_201379.3); c.3787G>A, p.Glu1263Lys (NM_201380.4); c.3280G>A, p.Glu1094Lys (NM_201381.3); c.3376G>A, p.Glu1126Lys (NM_201382.4); c.3388G>A, p.Glu1130Lys (NM_201383.3); short protein forms E1153K, E1094K, E1104K, E1112K, E1126K, E1130K, E1263K.
Identifiers: ClinVar variation 3890162 (VCV003890162.3).

ClinVar aggregate classification (germline): Uncertain significance. Review status: criteria provided, multiple submitters, no conflicts (2 of 4 stars). 3 submissions from 3 submitters: Uncertain significance (3). Last evaluated 2025-07-13.

Conditions:
Epidermolysis bullosa simplex with nail dystrophy (EBS5D). Identifiers: MedGen C4225309, MONDO:0014661, OMIM 616487.
Epidermolysis bullosa simplex, Ogna type (EBS5A). Also called: Pidermolysis bullosa simplex 5A, Ogna type; EPIDERMOLYSIS BULLOSA SIMPLEX 5A, OGNA TYPE. Identifiers: Orphanet 79401, MedGen C0432317, MONDO:0007555, OMIM 131950.
Autosomal recessive limb-girdle muscular dystrophy type 2Q (LGMDR17). Also called: MUSCULAR DYSTROPHY, LIMB-GIRDLE, AUTOSOMAL RECESSIVE 17. Identifiers: Orphanet 254361, MedGen C3150989, MONDO:0013390, OMIM 613723.
Epidermolysis bullosa simplex 5B, with muscular dystrophy (EBS5B). Also called: EPIDERMOLYSIS BULLOSA SIMPLEX AND LIMB-GIRDLE MUSCULAR DYSTROPHY; Epidermolysis bullosa simplex with muscular dystrophy. Identifiers: Orphanet 257, MedGen C2931072, MONDO:0009181, OMIM 226670.
Epidermolysis bullosa simplex 5C, with pyloric atresia (EBS5C). Also called: Epidermolysis bullosa simplex with pyloric atresia; PLEC-Related Epidermolysis Bullosa with Pyloric Atresia; PLEC1-Related Epidermolysis Bullosa with Pyloric Atresia. Identifiers: Orphanet 158684, MedGen C2677349, MONDO:0012807, OMIM 612138.
Inborn genetic diseases. Identifiers: MedGen C0950123, MeSH D030342.

gnomAD v4.1: 12 of 1,589,876 alleles (0.00075%); highest among the groups gnomAD compares: East Asian, 0.0046%; no homozygotes.

Submissions (3):

Labcorp Genetics (formerly Invitae), Labcorp
Classification: Uncertain significance for Autosomal recessive limb-girdle muscular dystrophy type 2Q; Epidermolysis bullosa simplex, Ogna type; Epidermolysis bullosa simplex with nail dystrophy; Epidermolysis bullosa simplex 5C, with pyloric atresia; Epidermolysis bullosa simplex 5B, with muscular dystrophy. Last evaluated: 2025-07-13. Review status: criteria provided, single submitter. Criteria: Invitae Variant Classification Sherloc (09022015). Collection method: clinical testing. Allele origin: germline.
Comment: This sequence change replaces glutamic acid, which is acidic and polar, with lysine, which is basic and polar, at codon 1153 of the PLEC protein (p.Glu1153Lys). This variant is present in population databases (rs369555389, gnomAD 0.007%). This variant has not been reported in the literature in individuals affected with PLEC-related conditions. ClinVar contains an entry for this variant (Variation ID: 3890162). Invitae Evidence Modeling of protein sequence and biophysical properties (such as structural, functional, and spatial information, amino acid conservation, physicochemical variation, residue mobility, and thermodynamic stability) indicates that this missense variant is expected to disrupt PLEC protein function with a positive predictive value of 80%. In summary, the available evidence is currently insufficient to determine the role of this variant in disease. Therefore, it has been classified as a Variant of Uncertain Significance.

Ambry Genetics
Classification: Uncertain significance for Inborn genetic diseases. Last evaluated: 2025-02-23. Review status: criteria provided, single submitter. Criteria: Ambry Variant Classification Scheme 2023. Collection method: clinical testing. Allele origin: germline.

Blueprint Genetics
Classification: Uncertain significance. Last evaluated: 2024-07-02. Review status: criteria provided, single submitter. Criteria: ACMG Guidelines, 2015. Collection method: clinical testing. Allele origin: germline.